The following is an entry in ClinVar:

NM_032043.3(BRIP1):c.1794+10T>C

Gene: BRIP1 (BRCA1 interacting DNA helicase 1; minus strand). Cytogenetic location: 17q23.2.
Variant type: single nucleotide variant.
Coding change: c.1794+10T>C on transcript NM_032043.3 (MANE Select); 10 bases into the intron after coding-DNA position 1794, T replaced by C.
Molecular consequence: intron variant.
Genome position (GRCh38, 1-based): chr17:61,780,830, A>G on the plus strand (T>C on the coding strand, the complement: BRIP1 is on the minus strand). VCF-style: chr17-61780830-A-G. GRCh37 (hg19) VCF-style: chr17-59858191-A-G.
Identifiers: ClinVar variation 1559131 (VCV001559131.5), dbSNP rs763543426, ClinGen allele CA8690670.

ClinVar aggregate classification (germline): Likely benign. Review status: criteria provided, multiple submitters, no conflicts (2 of 4 stars). 2 submissions from 2 submitters: Likely benign (2). Last evaluated 2024-08-29.

Conditions:
Familial cancer of breast. Also called: hereditary breast carcinoma; BREAST CANCER, FAMILIAL; Hereditary breast cancer. Identifiers: Orphanet 227535, MedGen C0346153, MONDO:0016419, OMIM 114480. Disease mechanism: loss of function.
Fanconi anemia complementation group J. Also called: BRIP1-Related Fanconi Anemia. Identifiers: Orphanet 84, MedGen C1836860, MONDO:0012187, OMIM 609054.

Allele frequency attached by ClinVar (database versions not stated): gnomAD exomes below 0.00001; ExAC 0.00001.

Submissions (2):

Myriad Genetics, Inc.
Classification: Likely benign for Familial cancer of breast. Last evaluated: 2024-08-29. Review status: criteria provided, single submitter. Criteria: Myriad Autosomal Dominant, Autosomal Recessive and X-Linked Classification Criteria (2023). Collection method: clinical testing. Allele origin: unknown.
Comment: This variant is considered likely benign. This variant is intronic and is not expected to impact mRNA splicing.

Labcorp Genetics (formerly Invitae), Labcorp
Classification: Likely benign for Familial cancer of breast; Fanconi anemia complementation group J. Last evaluated: 2021-10-18. Review status: criteria provided, single submitter. Criteria: Invitae Variant Classification Sherloc (09022015). Collection method: clinical testing. Allele origin: germline.